The following is an entry in ClinVar:

ClinVar aggregate classification (germline): Uncertain significance (1 of 4 stars; one submission).

Conditions:
Spondylodysplastic Ehlers-Danlos syndrome. Identifiers: Orphanet 536471, Orphanet 75496, MedGen C5680154, MONDO:0007526.

Submission:

Labcorp Genetics (formerly Invitae), Labcorp
Classification: Uncertain significance for Spondylodysplastic Ehlers-Danlos syndrome. Last evaluated: 2022-08-22. Review status: criteria provided, single submitter. Criteria: Invitae Variant Classification Sherloc (09022015). Collection method: clinical testing. Allele origin: germline.
Comment: This sequence change replaces arginine, which is basic and polar, with serine, which is neutral and polar, at codon 62 of the B4GALT7 protein (p.Arg62Ser). This variant is not present in population databases (gnomAD no frequency). This variant has not been reported in the literature in individuals affected with B4GALT7-related conditions. Algorithms developed to predict the effect of missense changes on protein structure and function (SIFT, PolyPhen-2, Align-GVGD) all suggest that this variant is likely to be tolerated. In summary, the available evidence is currently insufficient to determine the role of this variant in disease. Therefore, it has been classified as a Variant of Uncertain Significance.

NM_007255.3(B4GALT7):c.186G>C (p.Arg62Ser)

Gene: B4GALT7 (beta-1,4-galactosyltransferase 7; plus strand). Cytogenetic location: 5q35.3.
Variant type: single nucleotide variant.
Coding change: c.186G>C on transcript NM_007255.3 (MANE Select); coding-DNA position 186, G replaced by C.
Protein change: p.Arg62Ser; replaces arginine 62 with serine.
Molecular consequence: missense variant.
Genome position (GRCh38, 1-based): chr5:177,604,314, G>C. VCF-style: chr5-177604314-G-C. GRCh37 (hg19) VCF-style: chr5-177031315-G-C.
Other names: short protein forms R62S.
Identifiers: ClinVar variation 1715993 (VCV001715993.3), dbSNP rs2532526502, ClinGen allele CA362373068.
Genomic context (GRCh38, chr5:177,604,314, plus strand): 5'-CTTCTTCTCCCTACTCTGGCTGCAGCTCAGCTGCTCTGGGGACGTGGCCCGGGCAGTCAG[G>C]GGACAAGGGCAGGAGACCTCGGGCCCTCCCCGTGCCTGCCCCCCAGAGCCGCCCCCTGAG-3'
Protein context (NP_009186.1, residues 52-72): SCSGDVARAV[Arg62Ser]GQGQETSGPP